The following is an entry in ClinVar:

NM_017617.5(NOTCH1):c.5914G>A (p.Asp1972Asn)

Gene: NOTCH1 (notch receptor 1; minus strand). Cytogenetic location: 9q34.3.
Variant type: single nucleotide variant.
Coding change: c.5914G>A on transcript NM_017617.5 (MANE Select); coding-DNA position 5914, G replaced by A.
Protein change: p.Asp1972Asn; replaces aspartic acid 1972 with asparagine.
Molecular consequence: missense variant.
Genome position (GRCh38, 1-based): chr9:136,500,572, C>T on the plus strand (G>A on the coding strand, the complement: NOTCH1 is on the minus strand). VCF-style: chr9-136500572-C-T. GRCh37 (hg19) VCF-style: chr9-139395024-C-T.
Other names: c.5914G>A, p.Asp1972Asn (LRG_1122t1); short protein forms D1972N.
Identifiers: ClinVar variation 520049 (VCV000520049.6), dbSNP rs1414380652, ClinGen allele CA375636352.

ClinVar aggregate classification (germline): Uncertain significance (1 of 4 stars; one submission).

Conditions:
Familial thoracic aortic aneurysm and aortic dissection (TAAD). Also called: Thoracic aortic aneurysms and dissections. Identifiers: Orphanet 91387, MedGen C4707243, MONDO:0019625.

Allele frequency attached by ClinVar (database versions not stated): gnomAD exomes below 0.00001.
gnomAD v4.1: 1 of 1,611,476 alleles (0.000062%); highest among the groups gnomAD compares: Non-Finnish European, 0.000085%; no homozygotes.

Submission:

Ambry Genetics
Classification: Uncertain significance for Familial thoracic aortic aneurysm and aortic dissection. Last evaluated: 2025-04-24. Review status: criteria provided, single submitter. Criteria: Ambry Variant Classification Scheme 2023. Collection method: clinical testing. Allele origin: germline.
Comment: The p.D1972N variant (also known as c.5914G>A), located in coding exon 31 of the NOTCH1 gene, results from a G to A substitution at nucleotide position 5914. The aspartic acid at codon 1972 is replaced by asparagine, an amino acid with highly similar properties. This variant was not reported in population based cohorts in the following databases: Database of Single Nucleotide Polymorphisms (dbSNP), NHLBI Exome Sequencing Project (ESP), and 1000 Genomes Project. In the ESP, this variant was not observed in 6475 samples (12950 alleles) with coverage at this position. This amino acid position is highly conserved in available vertebrate species. In addition, this alteration is predicted to be tolerated by in silico analysis. Since supporting evidence is limited at this time, the clinical significance of this alteration remains unclear.